The following is an entry in ClinVar:

NM_139076.3(ABRAXAS1):c.545T>C (p.Val182Ala)

Gene: ABRAXAS1 (abraxas 1, BRCA1 A complex subunit; minus strand). Cytogenetic location: 4q21.23.
Variant type: single nucleotide variant.
Coding change: c.545T>C on transcript NM_139076.3 (MANE Select); coding-DNA position 545, T replaced by C.
Protein change: p.Val182Ala; replaces valine 182 with alanine.
Molecular consequence: missense variant.
Genome position (GRCh38, 1-based): chr4:83,469,083, A>G on the plus strand (T>C on the coding strand, the complement: ABRAXAS1 is on the minus strand). VCF-style: chr4-83469083-A-G. GRCh37 (hg19) VCF-style: chr4-84390236-A-G.
Other names: c.218T>C, p.Val73Ala (NM_001345962.2); short protein forms V182A, V73A.
Identifiers: ClinVar variation 1799630 (VCV001799630.3), dbSNP rs1164950079, ClinGen allele CA357259507.

ClinVar aggregate classification (germline): Uncertain significance (1 of 4 stars; one submission).

Allele frequency attached by ClinVar (database versions not stated): gnomAD exomes below 0.00001; TOPMed below 0.00001; gnomAD 0.00001.

Submission:

Ambry Genetics
Classification: Uncertain significance. Last evaluated: 2025-06-03. Review status: criteria provided, single submitter. Criteria: Ambry Variant Classification Scheme 2023. Collection method: clinical testing. Allele origin: germline.
Comment: The p.V182A variant (also known as c.545T>C), located in coding exon 6 of the FAM175A gene, results from a T to C substitution at nucleotide position 545. The valine at codon 182 is replaced by alanine, an amino acid with similar properties. This amino acid position is conserved. In addition, this alteration is predicted to be tolerated by in silico analysis. Since supporting evidence is limited at this time, the clinical significance of this alteration remains unclear.